The following is an entry in ClinVar:

NM_021831.6(AGBL5):c.814C>T (p.Pro272Ser)

Gene: AGBL5 (AGBL carboxypeptidase 5; plus strand). Cytogenetic location: 2p23.3.
Variant type: single nucleotide variant.
Coding change: c.814C>T on transcript NM_021831.6 (MANE Select); coding-DNA position 814, C replaced by T.
Protein change: p.Pro272Ser; replaces proline 272 with serine.
Molecular consequence: missense variant. On other transcripts: non-coding transcript variant (2).
Genome position (GRCh38, 1-based): chr2:27,055,159, C>T. VCF-style: chr2-27055159-C-T. GRCh37 (hg19) VCF-style: chr2-27278027-C-T.
Other names: c.814C>T, p.Pro272Ser (NM_001035507.3); short protein forms P272S.
Identifiers: ClinVar variation 1426237 (VCV001426237.8), dbSNP rs1668364046, ClinGen allele CA346175450.

ClinVar aggregate classification (germline): Uncertain significance (1 of 4 stars; one submission).

Allele frequency attached by ClinVar (database versions not stated): gnomAD exomes below 0.00001; TOPMed 0.00001.

Submission:

Labcorp Genetics (formerly Invitae), Labcorp
Classification: Uncertain significance. Last evaluated: 2022-11-01. Review status: criteria provided, single submitter. Criteria: Invitae Variant Classification Sherloc (09022015). Collection method: clinical testing. Allele origin: germline.
Comment: ClinVar contains an entry for this variant (Variation ID: 1426237). This sequence change replaces proline, which is neutral and non-polar, with serine, which is neutral and polar, at codon 272 of the AGBL5 protein (p.Pro272Ser). This variant is not present in population databases (gnomAD no frequency). This variant has not been reported in the literature in individuals affected with AGBL5-related conditions. Algorithms developed to predict the effect of missense changes on protein structure and function (SIFT, PolyPhen-2, Align-GVGD) all suggest that this variant is likely to be tolerated. In summary, the available evidence is currently insufficient to determine the role of this variant in disease. Therefore, it has been classified as a Variant of Uncertain Significance.